The following is an entry in ClinVar:

ClinVar aggregate classification (germline): Uncertain significance. Review status: criteria provided, multiple submitters, no conflicts (2 of 4 stars). 2 submissions from 2 submitters: Uncertain significance (2). Last evaluated 2024-07-11.

Conditions:
Reticular dysgenesis. Also called: RETICULAR DYSGENESIA; SEVERE COMBINED IMMUNODEFICIENCY WITH LEUKOPENIA; DeVaal disease; ALEUKOCYTOSIS; CONGENITAL ALEUKIA; HEMATOPOIETIC HYPOPLASIA, GENERALIZED. Identifiers: Orphanet 33355, MedGen C0272167, MONDO:0009973, OMIM 267500.

Allele frequency attached by ClinVar (database versions not stated): gnomAD exomes below 0.00001.
gnomAD v4.1: 1 of 1,614,204 alleles (0.000062%); highest among the groups gnomAD compares: Non-Finnish European, 0.000085%; no homozygotes.

Submissions (2):

Blueprint Genetics
Classification: Uncertain significance. Last evaluated: 2024-07-11. Review status: criteria provided, single submitter. Criteria: ACMG Guidelines, 2015. Collection method: clinical testing. Allele origin: germline.

Labcorp Genetics (formerly Invitae), Labcorp
Classification: Uncertain significance for Reticular dysgenesis. Last evaluated: 2020-03-31. Review status: criteria provided, single submitter. Criteria: Invitae Variant Classification Sherloc (09022015). Collection method: clinical testing. Allele origin: germline.
Comment: In summary, the available evidence is currently insufficient to determine the role of this variant in disease. Therefore, it has been classified as a Variant of Uncertain Significance. Algorithms developed to predict the effect of sequence changes on RNA splicing suggest that this variant may create or strengthen a splice site, but this prediction has not been confirmed by published transcriptional studies. Algorithms developed to predict the effect of missense changes on protein structure and function (SIFT, PolyPhen-2, Align-GVGD) all suggest that this variant is likely to be disruptive, but these predictions have not been confirmed by published functional studies and their clinical significance is uncertain. This variant has not been reported in the literature in individuals with AK2-related conditions. This variant is not present in population databases (ExAC no frequency). This sequence change replaces aspartic acid with glycine at codon 177 of the AK2 protein (p.Asp177Gly). The aspartic acid residue is highly conserved and there is a moderate physicochemical difference between aspartic acid and glycine.

NM_001625.4(AK2):c.530A>G (p.Asp177Gly)

Gene: AK2 (adenylate kinase 2; minus strand). Cytogenetic location: 1p35.1.
Variant type: single nucleotide variant.
Coding change: c.530A>G on transcript NM_001625.4 (MANE Select); coding-DNA position 530, A replaced by G.
Protein change: p.Asp177Gly; replaces aspartic acid 177 with glycine.
Molecular consequence: missense variant. On other transcripts: 3 prime UTR variant (1), non-coding transcript variant (1).
Genome position (GRCh38, 1-based): chr1:33,013,371, T>C on the plus strand (A>G on the coding strand, the complement: AK2 is on the minus strand). VCF-style: chr1-33013371-T-C. GRCh37 (hg19) VCF-style: chr1-33478972-T-C.
Other names: c.506A>G, p.Asp169Gly (NM_001199199.3); c.386A>G, p.Asp129Gly (NM_001319139.3, NM_001319140.2); c.530A>G, p.Asp177Gly (NM_001319141.3, NM_013411.5); c.404A>G, p.Asp135Gly (NM_001319142.3); c.*33A>G (NM_001319143.2); short protein forms D129G, D135G, D169G, D177G.
Identifiers: ClinVar variation 1017812 (VCV001017812.9), dbSNP rs1638970615, ClinGen allele CA339699517.